The following is an entry in ClinVar:

NM_000135.4(FANCA):c.3109_3137delinsG (p.Pro1037fs)

Gene: FANCA (FA complementation group A; minus strand). Cytogenetic location: 16q24.3.
Variant type: Indel.
Coding change: c.3109_3137delinsG on transcript NM_000135.4 (MANE Select); coding-DNA positions 3109 to 3137, CCTCTCGGCCACACCCCTTCCCAGGAGCA replaced by G.
Protein change: p.Pro1037fs; shifts the reading frame from proline 1037.
Molecular consequence: frameshift variant.
Genome position (GRCh38, 1-based): chr16:89,749,832-89,749,860, TGCTCCTGGGAAGGGGTGTGGCCGAGAGG replaced by C on the plus strand (CCTCTCGGCCACACCCCTTCCCAGGAGCA replaced by G on the coding strand, the reverse complement: FANCA is on the minus strand). VCF-style: chr16-89749832-TGCTCCTGGGAAGGGGTGTGGCCGAGAGG-C. GRCh37 (hg19) VCF-style: chr16-89816240-TGCTCCTGGGAAGGGGTGTGGCCGAGAGG-C.
Other names: c.3109_3137delinsG, p.Pro1037fs (NM_001286167.3); short protein forms P1037fs.
Identifiers: ClinVar variation 4775748 (VCV004775748.1).

ClinVar aggregate classification (germline): Pathogenic (1 of 4 stars; one submission).

Conditions:
Fanconi anemia (FA). Also called: Fanconi's anemia. Identifiers: Orphanet 84, MedGen C0015625, MeSH D005199, MONDO:0019391.

Submission:

Labcorp Genetics (formerly Invitae), Labcorp
Classification: Pathogenic for Fanconi anemia. Last evaluated: 2014-05-23. Review status: criteria provided, single submitter. Criteria: Invitae Variant Classification Sherloc (09022015). Collection method: clinical testing. Allele origin: germline.
Comment: Fanconi anemia disorders are recessively inherited and a second paternally inherited mutation was not identified in this individual (PMID: 24584348). This sequence change results in a frameshift at codon 1307 which leads to a premature translational stop signal at codon 1051. It is expected to result in an absent or disrupted protein product.

Literature cited by the submitters: PubMed 24584348.